The following is an entry in ClinVar:

NM_001378454.1(ALMS1):c.2752del (p.Ser918fs)

Gene: ALMS1 (ALMS1 centrosome and basal body associated protein; plus strand). Cytogenetic location: 2p13.1.
Variant type: Deletion.
Coding change: c.2752del on transcript NM_001378454.1 (MANE Select); coding-DNA position 2752, one base deleted (T; older notation c.2752delT).
Protein change: p.Ser918fs; shifts the reading frame from serine 918.
Molecular consequence: frameshift variant.
Genome position (GRCh38, 1-based): chr2:73,449,279, T deleted; the last of 6 consecutive T bases (chr2:73,449,274-73,449,279); deleting any one gives the same sequence. VCF-style (leftmost placement, unchanged base first): chr2-73449273-AT-A. GRCh37 (hg19) VCF-style: chr2-73676400-AT-A.
Other names: c.2755del, p.Ser919fs (NM_015120.4); short protein forms S919fs, S918fs.
Identifiers: ClinVar variation 2018107 (VCV002018107.5), dbSNP rs1230351650, ClinGen allele CA2580067899.
Genomic context (GRCh38, chr2:73,449,273, plus strand): 5'-CAGAAGACTGGGATACCCTCAGCACCATCTAGTTTCTACTCACACAGAGAGAAGCCCATT[AT>A]TTTTTCCCAGCAGACCCTGCCAGACTTTCTTTTCCCTGAAGAAGCTCTGAAGGTTTCAGC-3'

ClinVar aggregate classification (germline): Pathogenic. Review status: criteria provided, multiple submitters, no conflicts (2 of 4 stars). 2 submissions from 2 submitters: Pathogenic (2). Last evaluated 2025-07-25.

Conditions:
Alstrom syndrome (ALMS). Identifiers: Orphanet 64, MedGen C0268425, MONDO:0008763, OMIM 203800.

Submissions (2):

Variantyx, Inc.
Classification: Pathogenic for Alstrom syndrome. Last evaluated: 2025-07-25. Review status: criteria provided, single submitter. Criteria: Variantyx Assertion Criteria 2022. Collection method: clinical testing. Allele origin: germline. Inheritance: Autosomal recessive inheritance. Affected: no.
Comment: This is a frameshift variant in the ALMS1 gene (OMIM: 606844). Pathogenic variants in this gene have been associated with autosomal recessive Alstrom syndrome. This variant introduces a premature termination codon in exon 8 out of 23 and is expected to result in loss of function, which is a known disease mechanism for ALMS1 in this disorder (PMID: 17594715) (PVS1). This variant is absent from control populations (PM2). Based on the current evidence, this variant is classified as pathogenic for autosomal recessive Alstrom syndrome.

Labcorp Genetics (formerly Invitae), Labcorp
Classification: Pathogenic for Alstrom syndrome. Last evaluated: 2022-07-19. Review status: criteria provided, single submitter. Criteria: Invitae Variant Classification Sherloc (09022015). Collection method: clinical testing. Allele origin: germline.
Comment: For these reasons, this variant has been classified as Pathogenic. This sequence change creates a premature translational stop signal (p.Ser919Profs*15) in the ALMS1 gene. It is expected to result in an absent or disrupted protein product. Loss-of-function variants in ALMS1 are known to be pathogenic (PMID: 17594715). This variant is not present in population databases (gnomAD no frequency). This variant has not been reported in the literature in individuals affected with ALMS1-related conditions.

Literature cited by the submitters: PubMed 17594715 (cited by Variantyx, Inc. and Labcorp Genetics (formerly Invitae), Labcorp).